The following is an entry in ClinVar:

ClinVar aggregate classification (germline): Uncertain significance (1 of 4 stars; one submission).

Conditions:
Inborn genetic diseases. Identifiers: MedGen C0950123, MeSH D030342.

Submission:

Ambry Genetics
Classification: Uncertain significance for Inborn genetic diseases. Last evaluated: 2025-10-14. Review status: criteria provided, single submitter. Criteria: Ambry Variant Classification Scheme 2023. Collection method: clinical testing. Allele origin: germline.
Comment: The p.E250Q variant (also known as c.748G>C), located in coding exon 5 of the ETV6 gene, results from a G to C substitution at nucleotide position 748. The glutamic acid at codon 250 is replaced by glutamine, an amino acid with highly similar properties. This amino acid position is conserved. In addition, this alteration is predicted to be tolerated by in silico analysis. Based on the available evidence, the clinical significance of this variant remains unclear.

NM_001987.5(ETV6):c.748G>C (p.Glu250Gln)

Gene: ETV6 (ETS variant transcription factor 6; plus strand). Cytogenetic location: 12p13.2.
Variant type: single nucleotide variant.
Coding change: c.748G>C on transcript NM_001987.5 (MANE Select); coding-DNA position 748, G replaced by C.
Protein change: p.Glu250Gln; replaces glutamic acid 250 with glutamine.
Molecular consequence: missense variant.
Genome position (GRCh38, 1-based): chr12:11,869,708, G>C. VCF-style: chr12-11869708-G-C. GRCh37 (hg19) VCF-style: chr12-12022642-G-C.
Other names: c.484G>C, p.Glu162Gln (NM_001413915.1); c.748G>C, p.Glu250Gln (NM_001413916.1, NM_001413917.1); c.745G>C, p.Glu249Gln (NM_001413913.1); c.721G>C, p.Glu241Gln (NM_001413914.1); short protein forms E250Q, E241Q, E162Q, E249Q.
Identifiers: ClinVar variation 4618853 (VCV004618853.1).